The following is an entry in ClinVar:

ClinVar aggregate classification (germline): Likely benign (1 of 4 stars; one submission).

Submission:

CeGaT Center for Human Genetics Tuebingen
Classification: Likely benign. Last evaluated: 2023-03-01. Review status: criteria provided, single submitter. Criteria: CeGaT Center For Human Genetics Tuebingen Variant Classification Criteria Version 2. Collection method: clinical testing. Allele origin: germline. Affected: yes. Observed: 1 variant allele.
Comment: NUTM2B: PM2:Supporting, BP4, BP7

NM_001278495.2(NUTM2B):c.1686C>T (p.Leu562=)

Genes: NUTM2B (NUT family member 2B; plus strand), NUTM2B-AS1 (NUTM2B antisense RNA 1; minus strand). Cytogenetic location: 10q22.3.
Variant type: single nucleotide variant.
Coding change: c.1686C>T on transcript NM_001278495.2 (MANE Select); coding-DNA position 1686, C replaced by T.
Protein change: p.Leu562=; no amino-acid change (leucine 562 retained).
Molecular consequence: synonymous variant.
Genome position (GRCh38, 1-based): chr10:79,710,716, C>T. VCF-style: chr10-79710716-C-T. GRCh37 (hg19) VCF-style: chr10-81470472-C-T.
Identifiers: ClinVar variation 2640643 (VCV002640643.24), dbSNP rs2492625832, ClinGen allele CA470655713.